The following is an entry in ClinVar:

NM_001330311.2(DVL1):c.983C>A (p.Thr328Lys)

Gene: DVL1 (dishevelled segment polarity protein 1; minus strand). Cytogenetic location: 1p36.33.
Variant type: single nucleotide variant.
Coding change: c.983C>A on transcript NM_001330311.2 (MANE Select); coding-DNA position 983, C replaced by A.
Protein change: p.Thr328Lys; replaces threonine 328 with lysine.
Molecular consequence: missense variant.
Genome position (GRCh38, 1-based): chr1:1,339,739, G>T on the plus strand (C>A on the coding strand, the complement: DVL1 is on the minus strand). VCF-style: chr1-1339739-G-T. GRCh37 (hg19) VCF-style: chr1-1275119-G-T.
Other names: c.983C>A, p.Thr328Lys (NM_004421.3); short protein forms T328K.
Identifiers: ClinVar variation 2777235 (VCV002777235.3), dbSNP rs759500388, ClinGen allele CA520311.

ClinVar aggregate classification (germline): Uncertain significance (1 of 4 stars; one submission).

Allele frequency attached by ClinVar (database versions not stated): ExAC 0.00001.
gnomAD v4.1: 11 of 1,612,906 alleles (0.00068%); highest among the groups gnomAD compares: Non-Finnish European, 0.00093%; no homozygotes.

Submission:

Labcorp Genetics (formerly Invitae), Labcorp
Classification: Uncertain significance. Last evaluated: 2023-06-16. Review status: criteria provided, single submitter. Criteria: Invitae Variant Classification Sherloc (09022015). Collection method: clinical testing. Allele origin: germline.
Comment: This variant has not been reported in the literature in individuals affected with DVL1-related conditions. In summary, the available evidence is currently insufficient to determine the role of this variant in disease. Therefore, it has been classified as a Variant of Uncertain Significance. Advanced modeling of protein sequence and biophysical properties (such as structural, functional, and spatial information, amino acid conservation, physicochemical variation, residue mobility, and thermodynamic stability) performed at Invitae indicates that this missense variant is not expected to disrupt DVL1 protein function. This variant is present in population databases (rs759500388, gnomAD 0.002%). This sequence change replaces threonine, which is neutral and polar, with lysine, which is basic and polar, at codon 328 of the DVL1 protein (p.Thr328Lys).